The following is an entry in ClinVar:

NM_020937.4(FANCM):c.232T>C (p.Ser78Pro)

Gene: FANCM (FA complementation group M; plus strand). Cytogenetic location: 14q21.2.
Variant type: single nucleotide variant.
Coding change: c.232T>C on transcript NM_020937.4 (MANE Select); coding-DNA position 232, T replaced by C.
Protein change: p.Ser78Pro; replaces serine 78 with proline.
Molecular consequence: missense variant.
Genome position (GRCh38, 1-based): chr14:45,136,263, T>C. VCF-style: chr14-45136263-T-C. GRCh37 (hg19) VCF-style: chr14-45605466-T-C.
Other names: c.232T>C, p.Ser78Pro (NM_001308133.2, NM_001308134.2); c.232T>C (NM_020937.3); short protein forms S78P.
Identifiers: ClinVar variation 1493455 (VCV001493455.9), dbSNP rs995677452, ClinGen allele CA259602399.

ClinVar aggregate classification (germline): Uncertain significance. Review status: criteria provided, multiple submitters, no conflicts (2 of 4 stars). 4 submissions from 4 submitters: Uncertain significance (4). Last evaluated 2025-03-03.

Conditions:
Inborn genetic diseases. Identifiers: MedGen C0950123, MeSH D030342.
Fanconi anemia (FA). Also called: Fanconi's anemia. Identifiers: Orphanet 84, MedGen C0015625, MeSH D005199, MONDO:0019391.
FANCM-related disorder. Also called: FANCM-related condition.

Allele frequency attached by ClinVar (database versions not stated): gnomAD exomes below 0.00001; gnomAD 0.00003 and 0.00004; TOPMed 0.00006.
gnomAD v4.1: 7 of 1,613,942 alleles (0.00043%); highest among the groups gnomAD compares: African/African-American, 0.0093%; no homozygotes.

Submissions (4):

Ambry Genetics
Classification: Uncertain significance for Inborn genetic diseases. Last evaluated: 2025-03-03. Review status: criteria provided, single submitter. Criteria: Ambry Variant Classification Scheme 2023. Collection method: clinical testing. Allele origin: germline.
Comment: The p.S78P variant (also known as c.232T>C), located in coding exon 1 of the FANCM gene, results from a T to C substitution at nucleotide position 232. The serine at codon 78 is replaced by proline, an amino acid with similar properties. This amino acid position is conserved. In addition, this alteration is predicted to be tolerated by in silico analysis. Based on the available evidence, the clinical significance of this variant remains unclear.

PreventionGenetics, part of Exact Sciences
Classification: Uncertain significance for FANCM-related condition. Last evaluated: 2023-06-20. Review status: criteria provided, single submitter. Criteria: ACMG Guidelines, 2015. Collection method: clinical testing. Allele origin: germline.
Comment: The FANCM c.232T>C variant is predicted to result in the amino acid substitution p.Ser78Pro. To our knowledge, this variant has not been reported in the literature. This variant is reported in 0.023% of alleles in individuals of African descent in gnomAD and is reported in ClinVar as uncertain. At this time, the clinical significance of this variant is uncertain due to the absence of conclusive functional and genetic evidence.

GeneDx
Classification: Uncertain significance. Last evaluated: 2022-07-12. Review status: criteria provided, single submitter. Criteria: GeneDx Variant Classification Process June 2021. Collection method: clinical testing. Allele origin: germline. Affected: yes.
Comment: In silico analysis supports that this missense variant has a deleterious effect on protein structure/function; Has not been previously published as pathogenic or benign to our knowledge

Labcorp Genetics (formerly Invitae), Labcorp
Classification: Uncertain significance for Fanconi anemia. Last evaluated: 2021-09-24. Review status: criteria provided, single submitter. Criteria: Invitae Variant Classification Sherloc (09022015). Collection method: clinical testing. Allele origin: germline.
Comment: This sequence change replaces serine with proline at codon 78 of the FANCM protein (p.Ser78Pro). The serine residue is weakly conserved and there is a moderate physicochemical difference between serine and proline. This variant is not present in population databases (ExAC no frequency). This variant has not been reported in the literature in individuals with FANCM-related conditions. Algorithms developed to predict the effect of missense changes on protein structure and function are either unavailable or do not agree on the potential impact of this missense change (SIFT: "Tolerated"; PolyPhen-2: "Possibly Damaging"; Align-GVGD: "Class C0"). In summary, the available evidence is currently insufficient to determine the role of this variant in disease. Therefore, it has been classified as a Variant of Uncertain Significance.